The following is an entry in ClinVar:

ClinVar aggregate classification (germline): Likely benign. Review status: criteria provided, multiple submitters, no conflicts (2 of 4 stars). 2 submissions from 2 submitters: Likely benign (2). Last evaluated 2024-08-13.

Allele frequency attached by ClinVar (database versions not stated): gnomAD exomes 0.00012; TOPMed 0.00012; gnomAD 0.00013; ExAC 0.00038.
gnomAD v4.1: 179 of 1,536,078 alleles (0.012%); highest among the groups gnomAD compares: Middle Eastern, 0.017%; no homozygotes.

Submissions (2):

Blueprint Genetics
Classification: Likely benign. Last evaluated: 2024-08-13. Review status: criteria provided, single submitter. Criteria: ACMG Guidelines, 2015. Collection method: clinical testing. Allele origin: germline.

CeGaT Center for Human Genetics Tuebingen
Classification: Likely benign. Last evaluated: 2022-10-01. Review status: criteria provided, single submitter. Criteria: CeGaT Center For Human Genetics Tuebingen Variant Classification Criteria Version 2. Collection method: clinical testing. Allele origin: germline. Affected: yes. Observed: 1 variant allele.
Comment: ZFHX2: BP4

NM_033400.3(ZFHX2):c.621C>T (p.Phe207=)

Genes: THTPA (thiamine triphosphatase; plus strand), ZFHX2 (zinc finger homeobox 2; minus strand). Cytogenetic location: 14q11.2.
Variant type: single nucleotide variant.
Coding change: c.621C>T on transcript NM_033400.3 (MANE Select); coding-DNA position 621, C replaced by T.
Protein change: p.Phe207=; no amino-acid change (phenylalanine 207 retained).
Molecular consequence: synonymous variant.
Genome position (GRCh38, 1-based): chr14:23,534,705, G>A on the plus strand (C>T on the coding strand, the complement: ZFHX2 is on the minus strand). VCF-style: chr14-23534705-G-A. GRCh37 (hg19) VCF-style: chr14-24003914-G-A.
Identifiers: ClinVar variation 2644124 (VCV002644124.25), dbSNP rs755514291, ClinGen allele CA7117157.